The following is an entry in ClinVar:

NM_003835.4(RGS9):c.667G>T (p.Val223Phe)

Gene: RGS9 (regulator of G protein signaling 9; plus strand). Cytogenetic location: 17q24.1.
Variant type: single nucleotide variant.
Coding change: c.667G>T on transcript NM_003835.4 (MANE Select); coding-DNA position 667, G replaced by T.
Protein change: p.Val223Phe; replaces valine 223 with phenylalanine.
Molecular consequence: missense variant.
Genome position (GRCh38, 1-based): chr17:65,189,298, G>T. VCF-style: chr17-65189298-G-T. GRCh37 (hg19) VCF-style: chr17-63185416-G-T.
Other names: c.658G>T, p.Val220Phe (NM_001081955.3, NM_001165933.2); c.667G>T (NM_003835.3); short protein forms V223F, V220F.
Identifiers: ClinVar variation 1040202 (VCV001040202.9), dbSNP rs570957320, ClinGen allele CA400663941.
Genomic context (GRCh38, chr17:65,189,298, plus strand): 5'-AATGATTTCATGACATCTGCCTAACGGTTTTGTTTCTTTGTCTTACAGAAACAAACAGTC[G>T]TTGCTGTCAAAAAAGAGGTAATTAGTCTTACACTTCCAGTGAAGAATGGTTTTAAATCTT-3'
Protein context (NP_003826.2, residues 213-233): EVKVNQKQTV[Val223Phe]AVKKEIMYYQ

ClinVar aggregate classification (germline): Uncertain significance. Review status: criteria provided, multiple submitters, no conflicts (2 of 4 stars). 2 submissions from 2 submitters: Uncertain significance (2). Last evaluated 2023-10-03.

Conditions:
Inborn genetic diseases. Identifiers: MedGen C0950123, MeSH D030342.

gnomAD v4.1: 1 of 1,612,392 alleles (0.000062%); highest among the groups gnomAD compares: East Asian, 0.0022%; no homozygotes.

Submissions (2):

Labcorp Genetics (formerly Invitae), Labcorp
Classification: Uncertain significance. Last evaluated: 2023-10-03. Review status: criteria provided, single submitter. Criteria: Invitae Variant Classification Sherloc (09022015). Collection method: clinical testing. Allele origin: germline.
Comment: This sequence change replaces valine, which is neutral and non-polar, with phenylalanine, which is neutral and non-polar, at codon 223 of the RGS9 protein (p.Val223Phe). This variant is present in population databases (no rsID available, gnomAD 0.006%). This variant has not been reported in the literature in individuals affected with RGS9-related conditions. ClinVar contains an entry for this variant (Variation ID: 1040202). Advanced modeling of protein sequence and biophysical properties (such as structural, functional, and spatial information, amino acid conservation, physicochemical variation, residue mobility, and thermodynamic stability) performed at Invitae indicates that this missense variant is not expected to disrupt RGS9 protein function. In summary, the available evidence is currently insufficient to determine the role of this variant in disease. Therefore, it has been classified as a Variant of Uncertain Significance.

Ambry Genetics
Classification: Uncertain significance for Inborn genetic diseases. Last evaluated: 2022-05-18. Review status: criteria provided, single submitter. Criteria: Ambry Variant Classification Scheme 2023. Collection method: clinical testing. Allele origin: germline.